The following is an entry in ClinVar:

NM_004168.4(SDHA):c.845G>C (p.Arg282Thr)

Gene: SDHA (succinate dehydrogenase complex flavoprotein subunit A; plus strand). Cytogenetic location: 5p15.33.
Variant type: single nucleotide variant.
Coding change: c.845G>C on transcript NM_004168.4 (MANE Select); coding-DNA position 845, G replaced by C.
Protein change: p.Arg282Thr; replaces arginine 282 with threonine.
Molecular consequence: missense variant.
Genome position (GRCh38, 1-based): chr5:230,950, G>C. VCF-style: chr5-230950-G-C. GRCh37 (hg19) VCF-style: chr5-231065-G-C.
Other names: c.701G>C, p.Arg234Thr (NM_001294332.2); c.845G>C, p.Arg282Thr (NM_001330758.2); c.845G>C (NM_004168.2); short protein forms R234T, R282T.
Identifiers: ClinVar variation 1004220 (VCV001004220.11), dbSNP rs1735361111, ClinGen allele CA359011809.

ClinVar aggregate classification (germline): Uncertain significance. Review status: criteria provided, multiple submitters, no conflicts (2 of 4 stars). 3 submissions from 3 submitters: Uncertain significance (3). Last evaluated 2025-08-20.

Conditions:
Mitochondrial complex II deficiency, nuclear type 1. Also called: SUCCINATE CoQ REDUCTASE DEFICIENCY. Identifiers: Orphanet 3208, MedGen C5700310, MONDO:0100294, OMIM 252011.
Pheochromocytoma/paraganglioma syndrome 5. Also called: Paragangliomas 5; SDHA-Related Hereditary Paraganglioma-Pheochromocytoma Syndrome. Identifiers: Orphanet 29072, MedGen C3279992, MONDO:0013602, OMIM 614165.
Hereditary cancer-predisposing syndrome. Also called: Tumor predisposition; Hereditary neoplastic syndrome; Neoplastic Syndromes, Hereditary; Hereditary Cancer Syndrome. Identifiers: Orphanet 140162, MedGen C0027672, MeSH D009386, MONDO:0015356.

Allele frequency attached by ClinVar (database versions not stated): gnomAD exomes 0.00001.
gnomAD v4.1: 6 of 1,614,028 alleles (0.00037%); highest among the groups gnomAD compares: Non-Finnish European, 0.00051%; no homozygotes.

Submissions (3):

Ambry Genetics
Classification: Uncertain significance for Hereditary cancer-predisposing syndrome. Last evaluated: 2025-08-20. Review status: criteria provided, single submitter. Criteria: Ambry Variant Classification Scheme 2023. Collection method: clinical testing. Allele origin: germline.
Comment: The p.R282T variant (also known as c.845G>C), located in coding exon 7 of the SDHA gene, results from a G to C substitution at nucleotide position 845. The arginine at codon 282 is replaced by threonine, an amino acid with similar properties. This amino acid position is conserved. In addition, this alteration is predicted to be deleterious by in silico analysis. Since supporting evidence is limited at this time, the clinical significance of this alteration remains unclear.

GeneDx
Classification: Uncertain significance. Last evaluated: 2024-02-21. Review status: criteria provided, single submitter. Criteria: GeneDx Variant Classification Process June 2021. Collection method: clinical testing. Allele origin: germline. Affected: yes.
Comment: Not observed at significant frequency in large population cohorts (gnomAD); In silico analysis supports that this missense variant has a deleterious effect on protein structure/function; Has not been previously published as pathogenic or benign to our knowledge

Labcorp Genetics (formerly Invitae), Labcorp
Classification: Uncertain significance for Pheochromocytoma/paraganglioma syndrome 5; Mitochondrial complex II deficiency, nuclear type 1. Last evaluated: 2021-10-30. Review status: criteria provided, single submitter. Criteria: Invitae Variant Classification Sherloc (09022015). Collection method: clinical testing. Allele origin: germline.
Comment: This variant has not been reported in the literature in individuals affected with SDHA-related conditions. In summary, the available evidence is currently insufficient to determine the role of this variant in disease. Therefore, it has been classified as a Variant of Uncertain Significance. Advanced modeling of protein sequence and biophysical properties (such as structural, functional, and spatial information, amino acid conservation, physicochemical variation, residue mobility, and thermodynamic stability) performed at Invitae indicates that this missense variant is expected to disrupt SDHA protein function. ClinVar contains an entry for this variant (Variation ID: 1004220). This variant is not present in population databases (gnomAD no frequency). This sequence change replaces arginine, which is basic and polar, with threonine, which is neutral and polar, at codon 282 of the SDHA protein (p.Arg282Thr).